The following is an entry in ClinVar:

NM_000245.4(MET):c.3092T>C (p.Met1031Thr)

Gene: MET (MET proto-oncogene, receptor tyrosine kinase; plus strand). Cytogenetic location: 7q31.2.
Variant type: single nucleotide variant.
Coding change: c.3092T>C on transcript NM_000245.4 (MANE Select); coding-DNA position 3092, T replaced by C.
Protein change: p.Met1031Thr; replaces methionine 1031 with threonine.
Molecular consequence: missense variant.
Genome position (GRCh38, 1-based): chr7:116,774,944, T>C. VCF-style: chr7-116774944-T-C. GRCh37 (hg19) VCF-style: chr7-116414998-T-C.
Other names: c.3146T>C, p.Met1049Thr (NM_001127500.3); c.1802T>C, p.Met601Thr (NM_001324402.2); short protein forms M1049T, M601T, M1031T.
Identifiers: ClinVar variation 1488832 (VCV001488832.9), dbSNP rs1255185058, ClinGen allele CA368988054.

ClinVar aggregate classification (germline): Uncertain significance. Review status: criteria provided, multiple submitters, no conflicts (2 of 4 stars). 2 submissions from 2 submitters: Uncertain significance (2). Last evaluated 2024-06-07.

Conditions:
Renal cell carcinoma. Identifiers: Orphanet 217071, MedGen C0007134, MeSH D002292, MONDO:0005086, HP:0005584.
Hereditary cancer-predisposing syndrome. Also called: Hereditary neoplastic syndrome; Neoplastic Syndromes, Hereditary; Hereditary Cancer Syndrome; Tumor predisposition. Identifiers: Orphanet 140162, MedGen C0027672, MeSH D009386, MONDO:0015356.

Allele frequency attached by ClinVar (database versions not stated): TOPMed below 0.00001.

Submissions (2):

Ambry Genetics
Classification: Uncertain significance for Hereditary cancer-predisposing syndrome. Last evaluated: 2024-06-07. Review status: criteria provided, single submitter. Criteria: Ambry Variant Classification Scheme 2023. Collection method: clinical testing. Allele origin: germline.
Comment: The p.M1049T variant (also known as c.3146T>C), located in coding exon 14 of the MET gene, results from a T to C substitution at nucleotide position 3146. The methionine at codon 1049 is replaced by threonine, an amino acid with similar properties. This amino acid position is conserved. In addition, this alteration is predicted to be tolerated by in silico analysis. Since supporting evidence is limited at this time, the clinical significance of this alteration remains unclear.

Labcorp Genetics (formerly Invitae), Labcorp
Classification: Uncertain significance for Renal cell carcinoma. Last evaluated: 2023-05-06. Review status: criteria provided, single submitter. Criteria: Invitae Variant Classification Sherloc (09022015). Collection method: clinical testing. Allele origin: germline.
Comment: An algorithm developed to predict the effect of missense changes on protein structure and function (PolyPhen-2) suggests that this variant is likely to be tolerated. ClinVar contains an entry for this variant (Variation ID: 1488832). This variant has not been reported in the literature in individuals affected with MET-related conditions. This variant is not present in population databases (gnomAD no frequency). This sequence change replaces methionine, which is neutral and non-polar, with threonine, which is neutral and polar, at codon 1049 of the MET protein (p.Met1049Thr). In summary, the available evidence is currently insufficient to determine the role of this variant in disease. Therefore, it has been classified as a Variant of Uncertain Significance.